The following is an entry in ClinVar:

NM_000528.4(MAN2B1):c.414del (p.Val139fs)

Gene: MAN2B1 (mannosidase alpha class 2B member 1; minus strand). Cytogenetic location: 19p13.13.
Variant type: Deletion.
Coding change: c.414del on transcript NM_000528.4 (MANE Select); coding-DNA position 414, one base deleted (C; older notation c.414delC).
Protein change: p.Val139fs; shifts the reading frame from valine 139.
Molecular consequence: frameshift variant.
Genome position (GRCh38, 1-based): chr19:12,665,374, G deleted on the plus strand (C on the coding strand, the reverse complement: MAN2B1 is on the minus strand). VCF-style (leftmost placement, unchanged base first): chr19-12665373-CG-C. GRCh37 (hg19) VCF-style: chr19-12776187-CG-C.
Other names: c.414del, p.Val139fs (NM_001173498.2); short protein forms V139fs.
Identifiers: ClinVar variation 1726970 (VCV001726970.2), dbSNP rs2512516189, ClinGen allele CA2580096478.
Genomic context (GRCh38, chr19:12,665,373, plus strand): 5'-GCTGGGCTTCCTCTTTTCACTTCCTTGGGGTAGGCTCACCCTGGCGCACAAGGTCTCGCA[CG>C]ACTTCCTGTGTGGCATTTGTCTGCTGGTGCCACCAACGGGAGAAGAAGGCAATCTCCACG-3'

ClinVar aggregate classification (germline): Likely pathogenic (1 of 4 stars; one submission).

Conditions:
Deficiency of alpha-mannosidase (MANSA). Also called: Mannosidosis, alpha-, types I and II; LYSOSOMAL ALPHA-D-MANNOSIDASE DEFICIENCY; Alpha-Mannosidosis. Identifiers: Orphanet 61, MedGen C0024748, MONDO:0009561, OMIM 248500.

Submission:

Myriad Genetics, Inc.
Classification: Likely pathogenic for Deficiency of alpha-mannosidase. Last evaluated: 2022-01-02. Review status: criteria provided, single submitter. Criteria: Myriad Women's Health Autosomal Recessive and X-Linked Classification Criteria (2021). Collection method: clinical testing. Allele origin: unknown.
Comment: NM_000528.3(MAN2B1):c.414delC(V139Cfs*18) is expected to be pathogenic in the context of alpha-mannosidosis. This variant is predicted to lead to an abnormal or absent protein product due to the creation of a premature termination codon in MAN2B1, a gene where loss-of-function variants are known to be pathogenic. Please note: this variant was assessed in the context of healthy population screening.